The following is an entry in ClinVar:

ClinVar aggregate classification (germline): Likely benign. Review status: criteria provided, multiple submitters, no conflicts (2 of 4 stars). 2 submissions from 2 submitters: Likely benign (2). Last evaluated 2026-01-01.

Allele frequency attached by ClinVar (database versions not stated): ExAC 0.00014; ESP Exome Variant Server 0.00016; gnomAD 0.00016; 1000 Genomes Project 0.00100; 1000 Genomes Project 30x 0.00109.
gnomAD v4.1: 246 of 1,614,112 alleles (0.015%); highest among the groups gnomAD compares: Middle Eastern, 0.083%; no homozygotes.

Submissions (2):

CeGaT Center for Human Genetics Tuebingen
Classification: Likely benign. Last evaluated: 2026-01-01. Review status: criteria provided, single submitter. Criteria: CeGaT Center For Human Genetics Tuebingen Variant Classification Criteria Version 2. Collection method: clinical testing. Allele origin: germline. Affected: yes. Observed: 1 variant allele.
Comment: CAND2: BP4, BP7

Ambry Genetics
Classification: Likely benign. Last evaluated: 2023-11-09. Review status: criteria provided, single submitter. Criteria: Ambry Variant Classification Scheme 2023. Collection method: clinical testing. Allele origin: germline.

NM_001162499.2(CAND2):c.2997G>A (p.Ser999=)

Gene: CAND2 (cullin associated and neddylation dissociated 2 (putative); plus strand). Cytogenetic location: 3p25.2.
Variant type: single nucleotide variant.
Coding change: c.2997G>A on transcript NM_001162499.2 (MANE Select); coding-DNA position 2997, G replaced by A.
Protein change: p.Ser999=; no amino-acid change (serine 999 retained).
Molecular consequence: synonymous variant.
Genome position (GRCh38, 1-based): chr3:12,820,138, G>A. VCF-style: chr3-12820138-G-A. GRCh37 (hg19) VCF-style: chr3-12861637-G-A.
Other names: c.2718G>A, p.Ser906= (NM_012298.3).
Identifiers: ClinVar variation 3136965 (VCV003136965.5), dbSNP rs145134860, ClinGen allele CA2261095.